The following is an entry in ClinVar:

ClinVar aggregate classification (germline): Uncertain significance. Review status: criteria provided, multiple submitters, no conflicts (2 of 4 stars). 3 submissions from 3 submitters: Uncertain significance (3). Last evaluated 2025-11-13.

Conditions:
Inborn genetic diseases. Identifiers: MedGen C0950123, MeSH D030342.
Palmoplantar keratoderma, epidermolytic. Also called: Localized epidermolytic hyperkeratosis. Identifiers: MedGen C1721006, MONDO:0968949, HP:0007559.

Allele frequency attached by ClinVar (database versions not stated): ExAC 0.00001; TOPMed 0.00003; gnomAD 0.00004 and 0.00005; ESP Exome Variant Server 0.00008.

Submissions (3):

Ambry Genetics
Classification: Uncertain significance for Inborn genetic diseases. Last evaluated: 2025-11-13. Review status: criteria provided, single submitter. Criteria: Ambry Variant Classification Scheme 2023. Collection method: clinical testing. Allele origin: germline.

Labcorp Genetics (formerly Invitae), Labcorp
Classification: Uncertain significance. Last evaluated: 2022-08-25. Review status: criteria provided, single submitter. Criteria: Invitae Variant Classification Sherloc (09022015). Collection method: clinical testing. Allele origin: germline.
Comment: This variant has not been reported in the literature in individuals affected with KRT9-related conditions. This variant is present in population databases (rs146440373, gnomAD 0.004%). This sequence change replaces serine, which is neutral and polar, with proline, which is neutral and non-polar, at codon 357 of the KRT9 protein (p.Ser357Pro). ClinVar contains an entry for this variant (Variation ID: 891762). In summary, the available evidence is currently insufficient to determine the role of this variant in disease. Therefore, it has been classified as a Variant of Uncertain Significance. Advanced modeling of protein sequence and biophysical properties (such as structural, functional, and spatial information, amino acid conservation, physicochemical variation, residue mobility, and thermodynamic stability) performed at Invitae indicates that this missense variant is not expected to disrupt KRT9 protein function.

Illumina Laboratory Services, Illumina
Classification: Uncertain significance for Epidermolytic palmoplantar keratoderma, 1. Last evaluated: 2018-02-12. Review status: criteria provided, single submitter. Criteria: ICSL Variant Classification Criteria 13 December 2019. Collection method: clinical testing. Allele origin: germline.

NM_000226.4(KRT9):c.1069T>C (p.Ser357Pro)

Gene: KRT9 (keratin 9; minus strand). Cytogenetic location: 17q21.2.
Variant type: single nucleotide variant.
Coding change: c.1069T>C on transcript NM_000226.4 (MANE Select); coding-DNA position 1069, T replaced by C.
Protein change: p.Ser357Pro; replaces serine 357 with proline.
Molecular consequence: missense variant.
Genome position (GRCh38, 1-based): chr17:41,568,609, A>G on the plus strand (T>C on the coding strand, the complement: KRT9 is on the minus strand). VCF-style: chr17-41568609-A-G. GRCh37 (hg19) VCF-style: chr17-39724861-A-G.
Other names: short protein forms S357P.
Identifiers: ClinVar variation 891762 (VCV000891762.9), dbSNP rs146440373, ClinGen allele CA8562039.